The following is an entry in ClinVar:

ClinVar aggregate classification (germline): Pathogenic (1 of 4 stars; one submission).

Submission:

Labcorp Genetics (formerly Invitae), Labcorp
Classification: Pathogenic. Last evaluated: 2022-10-05. Review status: criteria provided, single submitter. Criteria: Invitae Variant Classification Sherloc (09022015). Collection method: clinical testing. Allele origin: germline.
Comment: For these reasons, this variant has been classified as Pathogenic. ClinVar contains an entry for this variant (Variation ID: 1072289). This variant has not been reported in the literature in individuals affected with COL9A1-related conditions. This variant is not present in population databases (gnomAD no frequency). This sequence change creates a premature translational stop signal (p.Leu645Trpfs*18) in the COL9A1 gene. It is expected to result in an absent or disrupted protein product. Loss-of-function variants in COL9A1 are known to be pathogenic (PMID: 16909383, 21421862).

Literature cited by the submitters: PubMed 16909383; PubMed 21421862.

NM_001851.6(COL9A1):c.1933del (p.Leu645fs)

Gene: COL9A1 (collagen type IX alpha 1 chain; minus strand). Cytogenetic location: 6q13.
Variant type: Deletion.
Coding change: c.1933del on transcript NM_001851.6 (MANE Select); coding-DNA position 1933, one base deleted (C; older notation c.1933delC).
Protein change: p.Leu645fs; shifts the reading frame from leucine 645.
Molecular consequence: frameshift variant. On other transcripts: non-coding transcript variant (1).
Genome position (GRCh38, 1-based): chr6:70,242,029, G deleted on the plus strand (C on the coding strand, the reverse complement: COL9A1 is on the minus strand). VCF-style (leftmost placement, unchanged base first): chr6-70242028-AG-A. GRCh37 (hg19) VCF-style: chr6-70951731-AG-A.
Other names: c.1234del, p.Leu412fs (NM_001377289.1); c.1204del, p.Leu402fs (NM_001377290.1, NM_078485.4); short protein forms L402fs, L412fs, L645fs.
Identifiers: ClinVar variation 1072289 (VCV001072289.8), dbSNP rs2127565932, ClinGen allele CA2499218512.